The following is an entry in ClinVar:

ClinVar aggregate classification (germline): Uncertain significance. Review status: criteria provided, multiple submitters, no conflicts (2 of 4 stars). 2 submissions from 2 submitters: Uncertain significance (2). Last evaluated 2024-12-13.

Conditions:
Dyskeratosis congenita, autosomal dominant 2. Identifiers: MedGen C3151443, MONDO:0013521, OMIM 613989.
Idiopathic Pulmonary Fibrosis. Also called: Idiopathic fibrosing alveolitis, chronic form; idiopathic fibrosing alveolitis. Identifiers: Orphanet 2032, MedGen C1800706, MeSH D054990, MONDO:0800504.
Dyskeratosis congenita. Identifiers: Orphanet 1775, MedGen C0265965, MONDO:0015780.

Submissions (2):

Ambry Genetics
Classification: Uncertain significance for Dyskeratosis congenita. Last evaluated: 2024-12-13. Review status: criteria provided, single submitter. Criteria: Ambry Variant Classification Scheme 2023. Collection method: clinical testing. Allele origin: germline.
Comment: The p.A918V variant (also known as c.2753C>T), located in coding exon 11 of the TERT gene, results from a C to T substitution at nucleotide position 2753. The alanine at codon 918 is replaced by valine, an amino acid with similar properties. This amino acid position is conserved. In addition, this alteration is predicted to be tolerated by in silico analysis. Based on the available evidence, the clinical significance of this variant remains unclear.

Labcorp Genetics (formerly Invitae), Labcorp
Classification: Uncertain significance for Dyskeratosis congenita, autosomal dominant 2; Idiopathic Pulmonary Fibrosis. Last evaluated: 2024-02-23. Review status: criteria provided, single submitter. Criteria: Invitae Variant Classification Sherloc (09022015). Collection method: clinical testing. Allele origin: germline.
Comment: This sequence change replaces alanine, which is neutral and non-polar, with valine, which is neutral and non-polar, at codon 918 of the TERT protein (p.Ala918Val). This variant is not present in population databases (gnomAD no frequency). This variant has not been reported in the literature in individuals affected with TERT-related conditions. Advanced modeling of protein sequence and biophysical properties (such as structural, functional, and spatial information, amino acid conservation, physicochemical variation, residue mobility, and thermodynamic stability) performed at Invitae indicates that this missense variant is not expected to disrupt TERT protein function with a negative predictive value of 80%. In summary, the available evidence is currently insufficient to determine the role of this variant in disease. Therefore, it has been classified as a Variant of Uncertain Significance.

NM_198253.3(TERT):c.2753C>T (p.Ala918Val)

Gene: TERT (telomerase reverse transcriptase; minus strand). Cytogenetic location: 5p15.33.
Variant type: single nucleotide variant.
Coding change: c.2753C>T on transcript NM_198253.3 (MANE Select); coding-DNA position 2753, C replaced by T.
Protein change: p.Ala918Val; replaces alanine 918 with valine.
Molecular consequence: missense variant. On other transcripts: intron variant (1).
Genome position (GRCh38, 1-based): chr5:1,264,494, G>A on the plus strand (C>T on the coding strand, the complement: TERT is on the minus strand). VCF-style: chr5-1264494-G-A. GRCh37 (hg19) VCF-style: chr5-1264609-G-A.
Other names: c.2654+1970C>T (NM_001193376.3); short protein forms A918V.
Identifiers: ClinVar variation 3754881 (VCV003754881.3).